The following is an entry in ClinVar:

NM_005619.5(RTN2):c.745G>C (p.Glu249Gln)

Genes: OPA3-RTN2 (OPA3-RTN2 readthrough; minus strand), RTN2 (reticulon 2; minus strand). Cytogenetic location: 19q13.32.
Variant type: single nucleotide variant.
Coding change: c.745G>C on transcript NM_005619.5 (MANE Select); coding-DNA position 745, G replaced by C.
Protein change: p.Glu249Gln; replaces glutamic acid 249 with glutamine.
Molecular consequence: missense variant.
Genome position (GRCh38, 1-based): chr19:45,494,235, C>G on the plus strand (G>C on the coding strand, the complement: RTN2 is on the minus strand). VCF-style: chr19-45494235-C-G. GRCh37 (hg19) VCF-style: chr19-45997493-C-G.
Other names: c.745G>C, p.Glu249Gln (NM_206900.3); short protein forms E249Q.
Identifiers: ClinVar variation 528003 (VCV000528003.26), dbSNP rs761286207, ClinGen allele CA9516191.

ClinVar aggregate classification (germline): Conflicting classifications of pathogenicity. Review status: criteria provided, conflicting classifications (1 of 4 stars). 2 submissions from 2 submitters: Uncertain significance (1); Likely benign (1). Last evaluated 2024-08-01.

Conditions:
Spastic paraplegia. Identifiers: MedGen C0037772, HP:0001258.

gnomAD v4.1: 46 of 1,612,308 alleles (0.0029%); highest among the groups gnomAD compares: East Asian, 0.0089%; no homozygotes.

Submissions (2):

CeGaT Center for Human Genetics Tuebingen
Classification: Likely benign. Last evaluated: 2024-08-01. Review status: criteria provided, single submitter. Criteria: CeGaT Center For Human Genetics Tuebingen Variant Classification Criteria Version 2. Collection method: clinical testing. Allele origin: germline. Affected: yes. Observed: 1 variant allele.
Comment: RTN2: BP4

Labcorp Genetics (formerly Invitae), Labcorp
Classification: Uncertain significance for Spastic paraplegia. Last evaluated: 2022-09-13. Review status: criteria provided, single submitter. Criteria: Invitae Variant Classification Sherloc (09022015). Collection method: clinical testing. Allele origin: germline.
Comment: This sequence change replaces glutamic acid, which is acidic and polar, with glutamine, which is neutral and polar, at codon 249 of the RTN2 protein (p.Glu249Gln). This variant is present in population databases (rs761286207, gnomAD 0.01%). This variant has not been reported in the literature in individuals affected with RTN2-related conditions. ClinVar contains an entry for this variant (Variation ID: 528003). Algorithms developed to predict the effect of missense changes on protein structure and function are either unavailable or do not agree on the potential impact of this missense change (SIFT: "Tolerated"; PolyPhen-2: "Probably Damaging"; Align-GVGD: "Class C0"). In summary, the available evidence is currently insufficient to determine the role of this variant in disease. Therefore, it has been classified as a Variant of Uncertain Significance.